The following is an entry in ClinVar:

ClinVar aggregate classification (germline): Uncertain significance (1 of 4 stars; one submission).

gnomAD v4.1: 1 of 1,613,864 alleles (0.000062%); highest among the groups gnomAD compares: Non-Finnish European, 0.000085%; no homozygotes.

Submission:

Labcorp Genetics (formerly Invitae), Labcorp
Classification: Uncertain significance. Last evaluated: 2025-08-01. Review status: criteria provided, single submitter. Criteria: Invitae Variant Classification Sherloc (09022015). Collection method: clinical testing. Allele origin: germline.
Comment: This sequence change replaces serine, which is neutral and polar, with glycine, which is neutral and non-polar, at codon 346 of the CTBP1 protein (p.Ser346Gly). This variant is not present in population databases (gnomAD no frequency). This variant has not been reported in the literature in individuals affected with CTBP1-related conditions. An algorithm developed to predict the effect of missense changes on protein structure and function (PolyPhen-2) suggests that this variant is likely to be tolerated. In summary, the available evidence is currently insufficient to determine the role of this variant in disease. Therefore, it has been classified as a Variant of Uncertain Significance.

NM_001012614.2(CTBP1):c.1003A>G (p.Ser335Gly)

Genes: CTBP1 (C-terminal binding protein 1; minus strand), CTBP1-AS (CTBP1 antisense RNA; plus strand). Cytogenetic location: 4p16.3.
Variant type: single nucleotide variant.
Coding change: c.1003A>G on transcript NM_001012614.2 (MANE Select); coding-DNA position 1003, A replaced by G.
Protein change: p.Ser335Gly; replaces serine 335 with glycine.
Molecular consequence: missense variant.
Genome position (GRCh38, 1-based): chr4:1,213,016, T>C on the plus strand (A>G on the coding strand, the complement: CTBP1 is on the minus strand). VCF-style: chr4-1213016-T-C. GRCh37 (hg19) VCF-style: chr4-1206804-T-C.
Other names: c.1036A>G, p.Ser346Gly (NM_001328.3, NM_001377186.1); c.1003A>G, p.Ser335Gly (NM_001377187.1, NM_001377188.1, NM_001377189.1 and 4 more transcripts); short protein forms S335G, S346G.
Identifiers: ClinVar variation 4745725 (VCV004745725.1).